The following is an entry in ClinVar:

NM_000350.3(ABCA4):c.6729+5_6729+19del

Gene: ABCA4 (ATP binding cassette subfamily A member 4; minus strand). Cytogenetic location: 1p22.1.
Variant type: Deletion.
Coding change: c.6729+5_6729+19del on transcript NM_000350.3 (MANE Select); bases 5 to 19 of the intron after coding-DNA position 6729, 15 bases deleted (GTTGGCCCTGGGGCA).
Molecular consequence: intron variant.
Genome position (GRCh38, 1-based): chr1:93,997,842-93,997,856, TGCCCCAGGGCCAAC deleted on the plus strand (GTTGGCCCTGGGGCA on the coding strand, the reverse complement: ABCA4 is on the minus strand); deleting any 15 consecutive bases within chr1:93,997,842-93,997,857 gives the same sequence; the c. name uses the placement nearest the transcript's 3' end. VCF-style (leftmost placement, unchanged base first): chr1-93997841-GTGCCCCAGGGCCAAC-G. GRCh37 (hg19) VCF-style: chr1-94463397-GTGCCCCAGGGCCAAC-G.
Other names: c.6729+5_6729+19delGTTGGCCCTGGGGCA (NM_000350.2, NM_000350.3).
Identifiers: ClinVar variation 283573 (VCV000283573.63), dbSNP rs749526785, ClinGen allele CA501163.

ClinVar aggregate classification (germline): Pathogenic/Likely pathogenic. Review status: criteria provided, multiple submitters, no conflicts (2 of 4 stars). 15 submissions from 15 submitters: Pathogenic (10); Likely pathogenic (1). 4 of the submissions do not count toward it. Last evaluated 2026-01-11.

Conditions:
ABCA4-related disorder. Also called: ABCA4-related disorders; ABCA4-related condition. Identifiers: MedGen CN239167.
Severe early-childhood-onset retinal dystrophy (STGD1). Also called: MACULAR DYSTROPHY WITH FLECKS, TYPE 1; STGD; Stargardt macular dystrophy; Juvenile onset macular degeneration; Stargardt disease 1. Identifiers: Orphanet 364055, Orphanet 827, MedGen C1855465, MeSH D000080362, MONDO:0009549, OMIM 248200.
Retinitis pigmentosa 19 (RP19). Also called: ABCA4-Related Retinitis Pigmentosa. Identifiers: Orphanet 791, MedGen C1866422, MONDO:0011137, OMIM 601718.
Cone-rod dystrophy 3 (CORD3). Identifiers: Orphanet 1872, MedGen C1858806, MONDO:0011395, OMIM 604116.
Retinal dystrophy. Also called: Inherited retinal dystrophy. Identifiers: Orphanet 71862, MedGen C0854723, MeSH D058499, MONDO:0019118, HP:0000556.
Age related macular degeneration 2. Also called: MACULAR DEGENERATION, SENILE; MACULOPATHY, AGE-RELATED, 2; MACULOPATHY, AGE-RELATED. Identifiers: MedGen C3495438, MONDO:0007932, OMIM 153800.
Retinitis pigmentosa (RP). Identifiers: Orphanet 791, MedGen C0035334, MeSH D012174, MONDO:0019200, OMIM 268000. Inheritance: Autosomal dominant, autosomal recessive and X linked inheritance.
Retinal disorder. Also called: Retinopathy; Retinopathies; Retinal Diseases; Retinal disorders. Identifiers: MedGen C0035309, MONDO:0005283, HP:0000488.

Submissions (15):

Variantyx, Inc.
Classification: Pathogenic for Severe early-childhood-onset retinal dystrophy. Last evaluated: 2026-01-11. Review status: criteria provided, single submitter. Criteria: Variantyx Assertion Criteria 2022. Collection method: clinical testing. Allele origin: germline. Inheritance: Autosomal recessive inheritance.
Comment: This is an intronic variant in the ABCA4 gene (OMIM: 601691). Pathogenic variants in this gene have been associated with autosomal recessive ABCA4-related retinopathy. This splicing variant is expected to result in loss of function, which is a known disease mechanism for ABCA4 in this disorder (PMID: 29162642) (PVS1). This variant has a 0.0626% maximum allele frequency in non-founder control populations (PM2). Based on the current evidence, this variant is classified as pathogenic for autosomal recessive ABCA4-related retinopathy.

Genetics Laboratory, Great Ormond Street Hospital NHS Foundation Trust, North Thames Genomic Laboratory Hub
Classification: Pathogenic for Retinal disorders. Last evaluated: 2025-10-20. Review status: criteria provided, single submitter. Criteria: ACGS Best Practice Guidelines for Variant Classification in Rare Disease 2024 v1.2. Collection method: clinical testing. Allele origin: germline. Affected: yes.
Comment: PM2_moderate, PVS1_strong, PM3_strong

First Genomix Gene Laboratory, Genetic Diagnostics Department
Classification: Pathogenic for Cone-rod dystrophy 3; Severe early-childhood-onset retinal dystrophy; Retinitis pigmentosa 19. Last evaluated: 2025-04-11. Review status: criteria provided, single submitter. Criteria: ACMG Guidelines, 2015. Collection method: clinical testing. Allele origin: germline. Inheritance: Autosomal recessive inheritance. Affected: no. Observed: 1 variant allele.

Labcorp Genetics (formerly Invitae), Labcorp
Classification: Pathogenic. Last evaluated: 2025-03-17. Review status: criteria provided, single submitter. Criteria: Invitae Variant Classification Sherloc (09022015). Collection method: clinical testing. Allele origin: germline.
Comment: This sequence change falls in intron 48 of the ABCA4 gene. It does not directly change the encoded amino acid sequence of the ABCA4 protein. It affects a nucleotide within the consensus splice site. This variant is present in population databases (rs749526785, gnomAD 0.06%). This variant has been observed in individuals with bullseye maculopathy, autosomal recessive retinitis pigmentosa, retinal degeneration, cone-rod dystrophy, and Stargardt disease (PMID: 20554613, 25283059, 27583828, 28041643, 29925512). This variant is also known as c.6729+4del1. ClinVar contains an entry for this variant (Variation ID: 283573). Variants that disrupt the consensus splice site are a relatively common cause of aberrant splicing (PMID: 17576681, 9536098). Studies have shown that this variant alters mRNA splicing and is expected to lead to the loss of protein expression (PMID: 29162642). For these reasons, this variant has been classified as Pathogenic.

Blueprint Genetics
Classification: Pathogenic for ABCA4-related disorders. Last evaluated: 2024-08-30. Review status: criteria provided, single submitter. Criteria: ACMG Guidelines, 2015. Collection method: clinical testing. Allele origin: germline. Affected: yes. Observed: 5 variant alleles.

Fulgent Genetics
Classification: Pathogenic for Age related macular degeneration 2; Severe early-childhood-onset retinal dystrophy; Retinitis pigmentosa 19; Cone-rod dystrophy 3. Last evaluated: 2024-04-11. Review status: criteria provided, single submitter. Criteria: ACMG Guidelines, 2015. Collection method: clinical testing. Allele origin: germline.

Institute of Human Genetics, Univ. Regensburg, Univ. Regensburg
Classification: Pathogenic for Retinal dystrophy. Last evaluated: 2022-01-01. Review status: criteria provided, single submitter. Criteria: ACMG Guidelines, 2015. Collection method: clinical testing. Allele origin: germline. Affected: yes.

Institute of Medical Genetics and Applied Genomics, University Hospital Tübingen
Classification: Pathogenic. Last evaluated: 2020-10-23. Review status: criteria provided, single submitter. Criteria: ACMG Guidelines, 2015. Collection method: clinical testing. Allele origin: germline. Inheritance: Autosomal recessive inheritance. Affected: yes.

CeGaT Center for Human Genetics Tuebingen
Classification: Pathogenic. Last evaluated: 2020-10-01. Review status: criteria provided, single submitter. Criteria: CeGaT Center For Human Genetics Tuebingen Variant Classification Criteria Version 2. Collection method: clinical testing. Allele origin: germline. Affected: yes. Observed: 5 variant alleles.

Eurofins Ntd Llc (ga)
Classification: Pathogenic. Last evaluated: 2017-05-23. Review status: criteria provided, single submitter. Criteria: EGL Classification Definitions 2015. Collection method: clinical testing. Allele origin: germline. Observed: 2 variant alleles, 2 heterozygotes.

GeneDx
Classification: Likely pathogenic. Last evaluated: 2016-09-20. Review status: criteria provided, single submitter. Criteria: GeneDx Variant Classification (06012015). Collection method: clinical testing. Allele origin: germline. Affected: yes.
Comment: The c.6729+5_6729+19del15 variant has been reported in association with ABCA4-related eye disorders (Littink et al., 2010; Fujinami et al. 2013; Duncker et al., 2015). Upon examining the phenotypes and ages-of-onset associated with different variants, it was observed that the c.6729+5_6729+19del15 variant is associated with a very early age-of-onset with the median age-of-onset being 5 years (Fakin et al., 2016). The c.6729+5_6729+19del15 variant was not observed in approximately 6,500 individuals of European and African American ancestry in an external variant database, indicating it is not a common benign variant in these populations. Several in-silico splice prediction models predict that c.6729+5_6729+19del15 either damages or destroys the natural donor site and lead to abnormal gene splicing. However, in the absence of RNA/functional studies, the actual effect of this sequence change in this individual is unknown. Therefore, based on the currently available information, it is a likely pathogenic variant.

Joint Genome Diagnostic Labs from Nijmegen and Maastricht, Radboudumc and MUMC+
Classification: Uncertain significance for Retinitis pigmentosa 19. Last evaluated: 2016-09-01. Review status: no assertion criteria provided. Collection method: clinical testing. Allele origin: inherited. Affected: yes. Observed: 1 variant allele. Not counted in ClinVar's aggregate classification.

NIHR Bioresource Rare Diseases, University of Cambridge
Classification: Likely pathogenic for Retinitis pigmentosa. Last evaluated: 2015-01-01. Review status: no assertion criteria provided. Collection method: research. Allele origin: unknown. Affected: yes. Observed: 1 variant allele. Not counted in ClinVar's aggregate classification.

Genomics England Pilot Project, Genomics England
Classification: Likely pathogenic for Age related macular degeneration 2. Review status: no assertion criteria provided. Criteria: ACGS Guidelines, 2016. Collection method: clinical testing. Allele origin: germline. Affected: yes. Not counted in ClinVar's aggregate classification.

Lupski Lab, Baylor-Hopkins CMG, Baylor College of Medicine
Classification: Pathogenic for Cone-rod dystrophy 3. Review status: no assertion criteria provided. Collection method: research. Allele origin: germline. Inheritance: Autosomal recessive inheritance. Affected: yes. Not counted in ClinVar's aggregate classification.

Literature cited by the submitters: PubMed 29162642 (cited by 3 submitters); PubMed 20554613 (cited by 4 submitters); PubMed 25283059 (cited by 3 submitters); PubMed 27583828 (cited by Variantyx, Inc. and Labcorp Genetics (formerly Invitae), Labcorp); PubMed 28041643 (cited by 3 submitters); PubMed 29925512 (cited by Labcorp Genetics (formerly Invitae), Labcorp and Institute of Human Genetics, Univ. Regensburg, Univ. Regensburg); PubMed 17576681 (cited by Labcorp Genetics (formerly Invitae), Labcorp); PubMed 9536098 (cited by Labcorp Genetics (formerly Invitae), Labcorp); PubMed 22264887 (cited by Institute of Human Genetics, Univ. Regensburg, Univ. Regensburg); PubMed 28327206 (cited by Institute of Human Genetics, Univ. Regensburg, Univ. Regensburg); PubMed 29310964 (cited by Institute of Human Genetics, Univ. Regensburg, Univ. Regensburg); PubMed 32307445 (cited by Institute of Human Genetics, Univ. Regensburg, Univ. Regensburg); PubMed 32783370 (cited by Institute of Human Genetics, Univ. Regensburg, Univ. Regensburg); PubMed 32581362 (cited by Institute of Human Genetics, Univ. Regensburg, Univ. Regensburg); PubMed 34758253 (cited by Institute of Human Genetics, Univ. Regensburg, Univ. Regensburg); PubMed 36819107 (cited by Institute of Human Genetics, Univ. Regensburg, Univ. Regensburg).